The following is an entry in ClinVar:

NM_003839.4(TNFRSF11A):c.343A>G (p.Thr115Ala)

Gene: TNFRSF11A (TNF receptor superfamily member 11a; plus strand). Cytogenetic location: 18q21.33.
Variant type: single nucleotide variant.
Coding change: c.343A>G on transcript NM_003839.4 (MANE Select); coding-DNA position 343, A replaced by G.
Protein change: p.Thr115Ala; replaces threonine 115 with alanine.
Molecular consequence: missense variant.
Genome position (GRCh38, 1-based): chr18:62,354,450, A>G. VCF-style: chr18-62354450-A-G. GRCh37 (hg19) VCF-style: chr18-60021683-A-G.
Other names: c.343A>G, p.Thr115Ala (NM_001270950.2, NM_001270951.2, NM_001278268.2 and 1 more transcripts); short protein forms T115A.
Identifiers: ClinVar variation 2835870 (VCV002835870.3), dbSNP rs2511558556, ClinGen allele CA402612195.

ClinVar aggregate classification (germline): Uncertain significance (1 of 4 stars; one submission).

Submission:

Labcorp Genetics (formerly Invitae), Labcorp
Classification: Uncertain significance. Last evaluated: 2023-02-09. Review status: criteria provided, single submitter. Criteria: Invitae Variant Classification Sherloc (09022015). Collection method: clinical testing. Allele origin: germline.
Comment: In summary, the available evidence is currently insufficient to determine the role of this variant in disease. Therefore, it has been classified as a Variant of Uncertain Significance. This sequence change replaces threonine, which is neutral and polar, with alanine, which is neutral and non-polar, at codon 115 of the TNFRSF11A protein (p.Thr115Ala). This variant is not present in population databases (gnomAD no frequency). This variant has not been reported in the literature in individuals affected with TNFRSF11A-related conditions. Advanced modeling of protein sequence and biophysical properties (such as structural, functional, and spatial information, amino acid conservation, physicochemical variation, residue mobility, and thermodynamic stability) performed at Invitae indicates that this missense variant is not expected to disrupt TNFRSF11A protein function.